The following is an entry in ClinVar:

NM_004006.3(DMD):c.9457del (p.Cys3153fs)

Gene: DMD (dystrophin; minus strand). Cytogenetic location: Xp21.2.
Variant type: Deletion.
Coding change: c.9457del on transcript NM_004006.3 (MANE Select); coding-DNA position 9457, one base deleted (T; older notation c.9457delT).
Protein change: p.Cys3153fs; shifts the reading frame from cysteine 3153.
Molecular consequence: frameshift variant.
Genome position (GRCh38, 1-based): chrX:31,209,604, A deleted on the plus strand (T on the coding strand, the reverse complement: DMD is on the minus strand); the first of 2 consecutive A bases (chrX:31,209,604-31,209,605); deleting either gives the same sequence. VCF-style (leftmost placement, unchanged base first): chrX-31209603-CA-C. GRCh37 (hg19) VCF-style: chrX-31227720-CA-C.
Other names: c.9457del (NM_004006.2); c.9433del, p.Cys3145fs (NM_000109.4); c.9445del, p.Cys3149fs (NM_004009.3); c.9088del, p.Cys3030fs (NM_004010.3); c.5434del, p.Cys1812fs (NM_004011.4); c.5425del, p.Cys1809fs (NM_004012.4); c.2077del, p.Cys693fs (NM_004013.3, NM_004020.4, NM_004021.3 and 2 more transcripts); c.1270del, p.Cys424fs (NM_004014.3); and 1 more; short protein forms C1812fs, C3030fs, C3145fs, C3149fs, C3153fs, C424fs, C693fs, C85fs.
Identifiers: ClinVar variation 1073485 (VCV001073485.11), dbSNP rs2148591945, ClinGen allele CA2499226611.

ClinVar aggregate classification (germline): Pathogenic/Likely pathogenic. Review status: criteria provided, multiple submitters, no conflicts (2 of 4 stars). 3 submissions from 3 submitters: Pathogenic (2); Likely pathogenic (1). Last evaluated 2025-03-25.

Conditions:
Duchenne muscular dystrophy (DMD). Also called: MUSCULAR DYSTROPHY, PSEUDOHYPERTROPHIC PROGRESSIVE, DUCHENNE TYPE; Duchenne Muscular Dystrophy (DMD). Identifiers: Orphanet 98896, MedGen C0013264, MONDO:0010679, OMIM 310200.

Submissions (3):

Labcorp Genetics (formerly Invitae), Labcorp
Classification: Pathogenic for Duchenne muscular dystrophy. Last evaluated: 2025-03-25. Review status: criteria provided, single submitter. Criteria: Invitae Variant Classification Sherloc (09022015). Collection method: clinical testing. Allele origin: germline.
Comment: This sequence change creates a premature translational stop signal (p.Cys3153Valfs*2) in the DMD gene. It is expected to result in an absent or disrupted protein product. Loss-of-function variants in DMD are known to be pathogenic (PMID: 16770791, 25007885). This variant is not present in population databases (gnomAD no frequency). This premature translational stop signal has been observed in individual(s) with clinical features of Duchenne muscular dystrophy (PMID: 18583217). ClinVar contains an entry for this variant (Variation ID: 1073485). For these reasons, this variant has been classified as Pathogenic.

Revvity Omics, Revvity
Classification: Likely pathogenic. Last evaluated: 2024-08-21. Review status: criteria provided, single submitter. Criteria: ACMG Guidelines, 2015. Collection method: clinical testing. Allele origin: germline.

3billion
Classification: Pathogenic for Duchenne muscular dystrophy. Review status: criteria provided, single submitter. Criteria: ACMG Guidelines, 2015. Collection method: clinical testing. Allele origin: unknown. Affected: yes. Observed: 1 hemizygote.
Comment: The variant is not observed in the gnomAD v2.1.1 dataset. The variant is predicted to result in a loss or disruption of normal protein function through nonsense-mediated decay (NMD) or protein truncation. Multiple pathogenic variants are reported downstream of the variant. The variant has been reported to be associated with DMD related disorder (ClinVar ID: VCV001073485 / PMID: 18583217). Therefore, this variant is classified as Pathogenic according to the recommendation of ACMG/AMP guideline.

Literature cited by the submitters: PubMed 16770791 (cited by Labcorp Genetics (formerly Invitae), Labcorp); PubMed 25007885 (cited by Labcorp Genetics (formerly Invitae), Labcorp); PubMed 18583217 (cited by Labcorp Genetics (formerly Invitae), Labcorp and 3billion).